The following is an entry in ClinVar:

ClinVar aggregate classification (germline): VUS-mid (0 of 4 stars; one submission).

Conditions:
Autosomal recessive nonsyndromic hearing loss 9. Also called: NEUROSENSORY NONSYNDROMIC RECESSIVE DEAFNESS 9; OTOF-Related Hearing Loss; Deafness, autosomal recessive 9; AUDITORY NEUROPATHY, AUTOSOMAL RECESSIVE, 1, TEMPERATURE-SENSITIVE. Identifiers: Orphanet 90636, MedGen C1832828, MONDO:0010986, OMIM 601071.

Submission:

Diagnosis and Treatment Center of Genetic Hearing Loss, Eye & ENT Hospital of Fudan University
Classification: VUS-mid for Autosomal recessive nonsyndromic hearing loss 9. Last evaluated: 2026-02-04. Review status: no assertion criteria provided. Collection method: clinical testing. Allele origin: germline. Inheritance: Autosomal recessive inheritance. Affected: yes.
Comment: The c.2803G>A missense variant in OTOF is absent from population databases (PM2_Supporting). The REVEL score is 0.645 (PP3).

NM_194248.3(OTOF):c.2803G>A (p.Glu935Lys)

Gene: OTOF (otoferlin; minus strand). Cytogenetic location: 2p23.3.
Variant type: single nucleotide variant.
Coding change: c.2803G>A on transcript NM_194248.3 (MANE Select); coding-DNA position 2803, G replaced by A.
Protein change: p.Glu935Lys; replaces glutamic acid 935 with lysine.
Molecular consequence: missense variant.
Genome position (GRCh38, 1-based): chr2:26,476,191, C>T on the plus strand (G>A on the coding strand, the complement: OTOF is on the minus strand). VCF-style: chr2-26476191-C-T. GRCh37 (hg19) VCF-style: chr2-26699059-C-T.
Other names: c.2803G>A, p.Glu935Lys (NM_001287489.2); c.562G>A, p.Glu188Lys (NM_004802.4, NM_194323.3); c.733G>A, p.Glu245Lys (NM_194322.3); short protein forms E188K, E245K, E935K.
Identifiers: ClinVar variation 4879905 (VCV004879905.1).